The following is an entry in ClinVar:

NM_000535.7(PMS2):c.2534A>G (p.His845Arg)

Gene: PMS2 (PMS1 homolog 2, mismatch repair system component; minus strand). Cytogenetic location: 7p22.1.
Variant type: single nucleotide variant.
Coding change: c.2534A>G on transcript NM_000535.7 (MANE Select); coding-DNA position 2534, A replaced by G.
Protein change: p.His845Arg; replaces histidine 845 with arginine.
Molecular consequence: missense variant. On other transcripts: non-coding transcript variant (1).
Genome position (GRCh38, 1-based): chr7:5,973,454, T>C on the plus strand (A>G on the coding strand, the complement: PMS2 is on the minus strand). VCF-style: chr7-5973454-T-C. GRCh37 (hg19) VCF-style: chr7-6013085-T-C.
Other names: c.2129A>G, p.His710Arg (NM_001322003.2, NM_001322004.2, NM_001322005.2); c.2378A>G, p.His793Arg (NM_001322006.2); c.2216A>G, p.His739Arg (NM_001322007.2, NM_001322008.2); c.2162A>G, p.His721Arg (NM_001322009.2); c.1973A>G, p.His658Arg (NM_001322010.2); c.1601A>G, p.His534Arg (NM_001322011.2, NM_001322012.2); c.1961A>G, p.His654Arg (NM_001322013.2); c.2567A>G, p.His856Arg (NM_001322014.2); and 1 more; short protein forms H710R, H742R, H793R, H658R, H721R, H845R, H534R, H654R.
Identifiers: ClinVar variation 662202 (VCV000662202.16), dbSNP rs1554292741, ClinGen allele CA366734848.

ClinVar aggregate classification (germline): Conflicting classifications of pathogenicity. Review status: criteria provided, conflicting classifications (1 of 4 stars). 4 submissions from 4 submitters: Likely pathogenic (2); Uncertain significance (2). Last evaluated 2025-08-07.

Conditions:
Diffuse pediatric-type high-grade glioma, H3-wildtype and IDH-wildtype. Identifiers: MedGen C5669918, MONDO:0858939.
Hereditary nonpolyposis colorectal neoplasms. Identifiers: MedGen C0009405, MeSH D003123.
Hereditary cancer-predisposing syndrome. Also called: Neoplastic Syndromes, Hereditary; Tumor predisposition; Hereditary neoplastic syndrome; Hereditary Cancer Syndrome. Identifiers: Orphanet 140162, MedGen C0027672, MeSH D009386, MONDO:0015356.
Lynch syndrome 4 (LYNCH4). Also called: Colorectal cancer, hereditary nonpolyposis, type 4; Hereditary non-polyposis colorectal cancer, type 4. Identifiers: Orphanet 144, MedGen C1838333, MONDO:0013699, OMIM 614337. Disease mechanism: loss of function.

Submissions (4):

Ambry Genetics
Classification: Likely pathogenic for Hereditary cancer-predisposing syndrome. Last evaluated: 2025-08-07. Review status: criteria provided, single submitter. Criteria: Ambry Variant Classification Scheme 2023. Collection method: clinical testing. Allele origin: germline.
Comment: The p.H845R variant (also known as c.2534A>G), located in coding exon 15 of the PMS2 gene, results from an A to G substitution at nucleotide position 2534. The histidine at codon 845 is replaced by arginine, an amino acid with highly similar properties. Based on internal structural analysis, H845R disrupts the zinc-binding site of the endonuclease domain, a region sensitive to disruption (Gueneau E et al. Nat Struct Mol Biol, 2013 Apr;20:461-8). Another alteration at the same codon, p.H845L (c.2534A>T), has been detected in multiple probands whose Lynch-associated tumors demonstrated high microsatellite instability and/or loss of PMS2 expression by immunohistochemistry (Goodenberger ML et al. Genet. Med., 2016 Jan;18:13-9; Yurgelun et al. J Clin Oncol 2017 Apr;35(10):1086-1095; Ambry internal data). This missense alteration is located in a region that has a low rate of benign missense variation (Lek M et al. Nature. 2016 Aug 18;536(7616):285-91; DECIPHER: Database of Chromosomal Imbalance and Phenotype in Humans using Ensembl Resources. Firth H.V. et al. 2009. Am.J.Hum.Genet. 84, 524-533 (DOI)). This amino acid position is highly conserved in available vertebrate species. In addition, this alteration is predicted to be deleterious by in silico analysis. This variant is considered to be rare based on population cohorts in the Genome Aggregation Database (gnomAD). Based on the majority of available evidence to date, this variant is likely to be pathogenic.

Myriad Genetics, Inc.
Classification: Likely pathogenic for Lynch syndrome 4. Last evaluated: 2023-09-25. Review status: criteria provided, single submitter. Criteria: Myriad Autosomal Dominant, Autosomal Recessive and X-Linked Classification Criteria (2023). Collection method: clinical testing. Allele origin: unknown.
Comment: This variant is considered likely pathogenic. Functional studies indicate this variant impacts protein function [PMID: 35451539]. This variant is expected to disrupt protein structure [Myriad internal data].

Labcorp Genetics (formerly Invitae), Labcorp
Classification: Uncertain significance for Hereditary nonpolyposis colorectal neoplasms. Last evaluated: 2022-03-08. Review status: criteria provided, single submitter. Criteria: Invitae Variant Classification Sherloc (09022015). Collection method: clinical testing. Allele origin: germline.
Comment: ClinVar contains an entry for this variant (Variation ID: 662202). In summary, the available evidence is currently insufficient to determine the role of this variant in disease. Therefore, it has been classified as a Variant of Uncertain Significance. Advanced modeling of protein sequence and biophysical properties (such as structural, functional, and spatial information, amino acid conservation, physicochemical variation, residue mobility, and thermodynamic stability) performed at Invitae indicates that this missense variant is expected to disrupt PMS2 protein function. This variant has not been reported in the literature in individuals affected with PMS2-related conditions. The frequency data for this variant in the population databases (gnomAD) is considered unreliable due to the presence of homologous sequence, such as pseudogenes or paralogs, in the genome. This sequence change replaces histidine, which is basic and polar, with arginine, which is basic and polar, at codon 845 of the PMS2 protein (p.His845Arg).

Laboratory of Medical Genetics Unit, Bambino Gesù Children's Hospital
Classification: Uncertain significance for Diffuse pediatric-type high-grade glioma, H3-wildtype and IDH-wildtype. Last evaluated: 2017-12-28. Review status: criteria provided, single submitter. Criteria: ACMG Guidelines, 2015. Collection method: research. Allele origin: germline. Affected: yes. Observed: 1 heterozygote.

Literature cited by the submitters: PubMed 23435383 (cited by Ambry Genetics); PubMed 35451539 (cited by Myriad Genetics, Inc.).